The following is an entry in ClinVar:

ClinVar aggregate classification (germline): Uncertain significance. Review status: criteria provided, multiple submitters, no conflicts (2 of 4 stars). 2 submissions from 2 submitters: Uncertain significance (2). Last evaluated 2026-01-22.

Conditions:
Inborn genetic diseases. Identifiers: MedGen C0950123, MeSH D030342.

Allele frequency attached by ClinVar (database versions not stated): gnomAD exomes below 0.00001.

Submissions (2):

Labcorp Genetics (formerly Invitae), Labcorp
Classification: Uncertain significance. Last evaluated: 2026-01-22. Review status: criteria provided, single submitter. Criteria: Invitae Variant Classification Sherloc (09022015). Collection method: clinical testing. Allele origin: germline.
Comment: This sequence change replaces phenylalanine, which is neutral and non-polar, with tyrosine, which is neutral and polar, at codon 443 of the NAA15 protein (p.Phe443Tyr). This variant is not present in population databases (gnomAD no frequency). This variant has not been reported in the literature in individuals affected with NAA15-related conditions. ClinVar contains an entry for this variant (Variation ID: 1956436). An algorithm developed to predict the effect of missense changes on protein structure and function (PolyPhen-2) suggests that this variant is likely to be tolerated. In summary, the available evidence is currently insufficient to determine the role of this variant in disease. Therefore, it has been classified as a Variant of Uncertain Significance.

Ambry Genetics
Classification: Uncertain significance for Inborn genetic diseases. Last evaluated: 2022-06-29. Review status: criteria provided, single submitter. Criteria: Ambry Variant Classification Scheme 2023. Collection method: clinical testing. Allele origin: germline.

NM_057175.5(NAA15):c.1328T>A (p.Phe443Tyr)

Gene: NAA15 (N-alpha-acetyltransferase 15, NatA auxiliary subunit; plus strand). Cytogenetic location: 4q31.1.
Variant type: single nucleotide variant.
Coding change: c.1328T>A on transcript NM_057175.5 (MANE Select); coding-DNA position 1328, T replaced by A.
Protein change: p.Phe443Tyr; replaces phenylalanine 443 with tyrosine.
Molecular consequence: missense variant.
Genome position (GRCh38, 1-based): chr4:139,359,813, T>A. VCF-style: chr4-139359813-T-A. GRCh37 (hg19) VCF-style: chr4-140280967-T-A.
Other names: c.1328T>A, p.Phe443Tyr (NM_001410842.1, NM_025085.2); short protein forms F443Y.
Identifiers: ClinVar variation 1956436 (VCV001956436.6), dbSNP rs2530417287, ClinGen allele CA358267411.